The following is an entry in ClinVar:

NM_000572.3(IL10):c.443A>T (p.Lys148Met)

Gene: IL10 (interleukin 10; minus strand). Cytogenetic location: 1q32.1.
Variant type: single nucleotide variant.
Coding change: c.443A>T on transcript NM_000572.3 (MANE Select); coding-DNA position 443, A replaced by T.
Protein change: p.Lys148Met; replaces lysine 148 with methionine.
Molecular consequence: missense variant. On other transcripts: non-coding transcript variant (2).
Genome position (GRCh38, 1-based): chr1:206,769,830, T>A on the plus strand (A>T on the coding strand, the complement: IL10 is on the minus strand). VCF-style: chr1-206769830-T-A. GRCh37 (hg19) VCF-style: chr1-206943175-T-A.
Other names: c.188A>T, p.Lys63Met (NM_001382624.1); short protein forms K63M, K148M.
Identifiers: ClinVar variation 4724822 (VCV004724822.1).
Genomic context (GRCh38, chr1:206,769,830, plus strand): 5'-GTTGGGGAGTGGGCATGGGTTGTGCTCTGCAGACCCTCTCTGCCACCATCCAAGCTCACC[T>A]TATTAAAGGCATTCTTCACCTGCTCCACGGCCTTGCTCTTGTTTTCACAGGGAAGAAATC-3'
Protein context (NP_000563.1, residues 138-158): AVEQVKNAFN[Lys148Met]LQEKGIYKAM

ClinVar aggregate classification (germline): Uncertain significance (1 of 4 stars; one submission).

Conditions:
Inflammatory bowel disease. Identifiers: Orphanet 104012, MedGen C0021390, MONDO:0005265.

Submission:

Labcorp Genetics (formerly Invitae), Labcorp
Classification: Uncertain significance for Inflammatory bowel disease. Last evaluated: 2025-08-04. Review status: criteria provided, single submitter. Criteria: Invitae Variant Classification Sherloc (09022015). Collection method: clinical testing. Allele origin: germline.
Comment: This sequence change replaces lysine, which is basic and polar, with methionine, which is neutral and non-polar, at codon 148 of the IL10 protein (p.Lys148Met). This variant is not present in population databases (gnomAD no frequency). This variant has not been reported in the literature in individuals affected with IL10-related conditions. An algorithm developed to predict the effect of missense changes on protein structure and function outputs the following: PolyPhen-2: "Benign". The methionine amino acid residue is found in multiple mammalian species, which suggests that this missense change does not adversely affect protein function. Algorithms developed to predict the effect of sequence changes on RNA splicing suggest that this variant may create or strengthen a splice site. In summary, the available evidence is currently insufficient to determine the role of this variant in disease. Therefore, it has been classified as a Variant of Uncertain Significance.